The following is an entry in ClinVar:

ClinVar aggregate classification (germline): Uncertain significance. Review status: criteria provided, multiple submitters, no conflicts (2 of 4 stars). 2 submissions from 2 submitters: Uncertain significance (2). Last evaluated 2025-12-24.

Conditions:
Developmental and epileptic encephalopathy, 9 (DEE9). Also called: Early infantile epileptic encephalopathy 9; EPILEPSY, FEMALE-RESTRICTED, WITH MENTAL RETARDATION; JUBERG-HELLMAN SYNDROME; PCDH19-Related X-Linked Female-Limited Epilepsy with Mental Retardation. Identifiers: Orphanet 101039, Orphanet 2076, MedGen C1848137, MONDO:0010246, OMIM 300088. Disease mechanism: loss of function.

Allele frequency attached by ClinVar (database versions not stated): gnomAD 0.00001; gnomAD exomes 0.00001; TOPMed 0.00001; ExAC 0.00002; ESP Exome Variant Server 0.00010.
gnomAD v4.1: 12 of 1,207,750 alleles (0.00099%); highest among the groups gnomAD compares: African/African-American, 0.0035%; no homozygotes.

Submissions (2):

Labcorp Genetics (formerly Invitae), Labcorp
Classification: Uncertain significance for Developmental and epileptic encephalopathy, 9. Last evaluated: 2025-12-24. Review status: criteria provided, single submitter. Criteria: Invitae Variant Classification Sherloc (09022015). Collection method: clinical testing. Allele origin: germline.
Comment: This sequence change replaces glycine, which is neutral and non-polar, with glutamic acid, which is acidic and polar, at codon 943 of the PCDH19 protein (p.Gly943Glu). This variant is present in population databases (rs371594080, gnomAD 0.002%). This variant has not been reported in the literature in individuals affected with PCDH19-related conditions. ClinVar contains an entry for this variant (Variation ID: 465302). Invitae Evidence Modeling of protein sequence and biophysical properties (such as structural, functional, and spatial information, amino acid conservation, physicochemical variation, residue mobility, and thermodynamic stability) indicates that this missense variant is not expected to disrupt PCDH19 protein function with a negative predictive value of 95%. In summary, the available evidence is currently insufficient to determine the role of this variant in disease. Therefore, it has been classified as a Variant of Uncertain Significance.

CeGaT Center for Human Genetics Tuebingen
Classification: Uncertain significance. Last evaluated: 2020-11-01. Review status: criteria provided, single submitter. Criteria: CeGaT Center For Human Genetics Tuebingen Variant Classification Criteria Version 2. Collection method: clinical testing. Allele origin: germline. Affected: yes. Observed: 1 variant allele.

NM_001184880.2(PCDH19):c.2828G>A (p.Gly943Glu)

Gene: PCDH19 (protocadherin 19; minus strand). Cytogenetic location: Xq22.1.
Variant type: single nucleotide variant.
Coding change: c.2828G>A on transcript NM_001184880.2 (MANE Select); coding-DNA position 2828, G replaced by A.
Protein change: p.Gly943Glu; replaces glycine 943 with glutamic acid.
Molecular consequence: missense variant.
Genome position (GRCh38, 1-based): chrX:100,341,923, C>T on the plus strand (G>A on the coding strand, the complement: PCDH19 is on the minus strand). VCF-style: chrX-100341923-C-T. GRCh37 (hg19) VCF-style: chrX-99596921-C-T.
Other names: c.2687G>A, p.Gly896Glu (NM_001105243.2); c.2684G>A, p.Gly895Glu (NM_020766.3); short protein forms G943E, G896E, G895E.
Identifiers: ClinVar variation 465302 (VCV000465302.51), dbSNP rs371594080, ClinGen allele CA10468703.